The following is an entry in ClinVar:

ClinVar aggregate classification (germline): Likely pathogenic (1 of 4 stars; one submission).

Submission:

Labcorp Genetics (formerly Invitae), Labcorp
Classification: Likely pathogenic. Last evaluated: 2022-08-21. Review status: criteria provided, single submitter. Criteria: Invitae Variant Classification Sherloc (09022015). Collection method: clinical testing. Allele origin: germline.
Comment: This sequence change affects an acceptor splice site in intron 34 of the POLE gene. RNA analysis indicates that disruption of this splice site induces altered splicing and may result in an absent or disrupted protein product. In summary, the currently available evidence indicates that the variant is pathogenic, but additional data are needed to prove that conclusively. Therefore, this variant has been classified as Likely Pathogenic. Studies have shown that disruption of this splice site results in skipping of exon 35 and introduces a premature termination codon (Invitae). The resulting mRNA is expected to undergo nonsense-mediated decay. ClinVar contains an entry for this variant (Variation ID: 649191). This variant has not been reported in the literature in individuals affected with POLE-related conditions. This variant is not present in population databases (gnomAD no frequency).

NM_006231.4(POLE):c.4445-2A>C

Gene: POLE (DNA polymerase epsilon, catalytic subunit; minus strand). Cytogenetic location: 12q24.33.
Variant type: single nucleotide variant.
Coding change: c.4445-2A>C on transcript NM_006231.4 (MANE Select); the canonical splice acceptor site of the intron before coding-DNA position 4445, A replaced by C.
Molecular consequence: splice acceptor variant.
Genome position (GRCh38, 1-based): chr12:132,643,332, T>G on the plus strand (A>C on the coding strand, the complement: POLE is on the minus strand). VCF-style: chr12-132643332-T-G. GRCh37 (hg19) VCF-style: chr12-133219918-T-G.
Identifiers: ClinVar variation 649191 (VCV000649191.9), dbSNP rs766538692, ClinGen allele CA387380842.
Genomic context (GRCh38, chr12:132,643,332, plus strand): 5'-CCCGAAGAGCGCTTTGTGGGCCTGTGCGTGGTGGTACAGGTAGATATGGCGGATACTCCC[T>G]GGAGAAGGAAACAAGACCGTCACCCCAGATGTGTGGGAGGCAGGCACATGATGGGCGGCT-3'